The following is an entry in ClinVar:

NM_000875.5(IGF1R):c.4051G>A (p.Gly1351Arg)

Gene: IGF1R (insulin like growth factor 1 receptor; plus strand). Cytogenetic location: 15q26.3.
Variant type: single nucleotide variant.
Coding change: c.4051G>A on transcript NM_000875.5 (MANE Select); coding-DNA position 4051, G replaced by A.
Protein change: p.Gly1351Arg; replaces glycine 1351 with arginine.
Molecular consequence: missense variant.
Genome position (GRCh38, 1-based): chr15:98,957,389, G>A. VCF-style: chr15-98957389-G-A. GRCh37 (hg19) VCF-style: chr15-99500618-G-A.
Other names: c.4048G>A, p.Gly1350Arg (NM_001291858.2); short protein forms G1350R, G1351R.
Identifiers: ClinVar variation 4037622 (VCV004037622.2).

ClinVar aggregate classification (germline): Uncertain significance. Review status: criteria provided, multiple submitters, no conflicts (2 of 4 stars). 2 submissions from 2 submitters: Uncertain significance (2). Last evaluated 2025-11-24.

Conditions:
Inborn genetic diseases. Identifiers: MedGen C0950123, MeSH D030342.

gnomAD v4.1: 15 of 1,613,270 alleles (0.00093%); highest among the groups gnomAD compares: Middle Eastern, 0.033%; no homozygotes.

Submissions (2):

Labcorp Genetics (formerly Invitae), Labcorp
Classification: Uncertain significance. Last evaluated: 2025-11-24. Review status: criteria provided, single submitter. Criteria: Invitae Variant Classification Sherloc (09022015). Collection method: clinical testing. Allele origin: germline.
Comment: This sequence change replaces glycine, which is neutral and non-polar, with arginine, which is basic and polar, at codon 1351 of the IGF1R protein (p.Gly1351Arg). This variant is present in population databases (no rsID available, gnomAD no frequency). This variant has not been reported in the literature in individuals affected with IGF1R-related conditions. ClinVar contains an entry for this variant (Variation ID: 4037622). An algorithm developed to predict the effect of missense changes on protein structure and function (PolyPhen-2) suggests that this variant is likely to be disruptive. In summary, the available evidence is currently insufficient to determine the role of this variant in disease. Therefore, it has been classified as a Variant of Uncertain Significance.

Ambry Genetics
Classification: Uncertain significance for Inborn genetic diseases. Last evaluated: 2025-03-25. Review status: criteria provided, single submitter. Criteria: Ambry Variant Classification Scheme 2023. Collection method: clinical testing. Allele origin: germline.